The following is an entry in ClinVar:

NM_004006.3(DMD):c.5461G>T (p.Glu1821Ter)

Gene: DMD (dystrophin; minus strand). Cytogenetic location: Xp21.1.
Variant type: single nucleotide variant.
Coding change: c.5461G>T on transcript NM_004006.3 (MANE Select); coding-DNA position 5461, G replaced by T.
Protein change: p.Glu1821Ter; replaces glutamic acid 1821 with a stop codon.
Molecular consequence: nonsense.
Genome position (GRCh38, 1-based): chrX:32,346,068, C>A on the plus strand (G>T on the coding strand, the complement: DMD is on the minus strand). VCF-style: chrX-32346068-C-A. GRCh37 (hg19) VCF-style: chrX-32364185-C-A.
Other names: c.5449G>T, p.Glu1817Ter (NM_004009.3); c.5092G>T, p.Glu1698Ter (NM_004010.3); c.1438G>T, p.Glu480Ter (NM_004011.4); c.1429G>T, p.Glu477Ter (NM_004012.4); c.5437G>T, p.Glu1813Ter (NM_000109.4); short protein forms E1821*, E1698*, E480*, E1813*, E1817*, E477*.
Identifiers: ClinVar variation 217203 (VCV000217203.3), dbSNP rs863225002, ClinGen allele CA347548.

ClinVar aggregate classification (germline): Pathogenic. Review status: criteria provided, multiple submitters, no conflicts (2 of 4 stars). 2 submissions from 2 submitters: Pathogenic (2). Last evaluated 2024-03-13.

Conditions:
Becker muscular dystrophy, Cardiomyopathy, Duchenne muscular dystrophy, Dystrophin deficiency.
Duchenne muscular dystrophy (DMD). Also called: MUSCULAR DYSTROPHY, PSEUDOHYPERTROPHIC PROGRESSIVE, DUCHENNE TYPE; Duchenne Muscular Dystrophy (DMD). Identifiers: Orphanet 98896, MedGen C0013264, MONDO:0010679, OMIM 310200.

Submissions (2):

Natera, Inc.
Classification: Pathogenic for Becker muscular dystrophy, Cardiomyopathy, Duchenne muscular dystrophy, Dystrophin deficiency. Last evaluated: 2024-03-13. Review status: criteria provided, single submitter. Criteria: Natera Variant Classification Schema (03/2026). Collection method: clinical testing. Allele origin: germline.
Comment: The c.5461G>T variant in DMD is a nonsense variant predicted to introduce a stop codon at amino acid 1821. This variant is expected to result in nonsense mediated decay, truncation, or a dysfunctional protein product. This variant is rare in the general population with a frequency below the threshold expected for the associated phenotype(s). This variant has been observed in affected individual(s) with monoallelic occurrence (heterozygous/hemizygous) (PMID: 19074751, 12398835). Given the available evidence, this variant is classified as Pathogenic.

Athena Diagnostics
Classification: Pathogenic for Duchenne muscular dystrophy. Last evaluated: 2013-02-20. Review status: criteria provided, single submitter. Criteria: Athena Diagnostics Criteria. Collection method: clinical testing. Allele origin: germline. Inheritance: X-linked recessive inheritance.
Comment: X-linked recessive inheritance

Literature cited by the submitters: PubMed 19074751 (cited by Natera, Inc.); PubMed 12398835 (cited by Natera, Inc. and Athena Diagnostics).